The following is an entry in ClinVar:

NM_004963.4(GUCY2C):c.1930+1del

Gene: GUCY2C (guanylate cyclase 2C; minus strand). Cytogenetic location: 12p12.3.
Variant type: Deletion.
Coding change: c.1930+1del on transcript NM_004963.4 (MANE Select); the canonical splice donor site of the intron after coding-DNA position 1930, one base deleted (G; older notation c.1930+1delG).
Molecular consequence: splice donor variant.
Genome position (GRCh38, 1-based): chr12:14,643,573, C deleted on the plus strand (G on the coding strand, the reverse complement: GUCY2C is on the minus strand); the first of 3 consecutive C bases (chr12:14,643,573-14,643,575); deleting any one gives the same sequence. VCF-style (leftmost placement, unchanged base first): chr12-14643572-AC-A. GRCh37 (hg19) VCF-style: chr12-14796506-AC-A.
Identifiers: ClinVar variation 4803669 (VCV004803669.1).
Genomic context (GRCh38, chr12:14,643,572, plus strand): 5'-GCTACATGGGTTTGAAAAAAAAATCAGTTAGGAAACTAGTGAACATTTCATTCATTACAG[AC>A]CCTTTTTTGGAGGTAAAATGGAATTGCAGCCAAAATCAGTGATCTTCACCACCATTCTAC-3'

ClinVar aggregate classification (germline): Uncertain significance (1 of 4 stars; one submission).

Submission:

Labcorp Genetics (formerly Invitae), Labcorp
Classification: Uncertain significance. Last evaluated: 2025-08-05. Review status: criteria provided, single submitter. Criteria: Invitae Variant Classification Sherloc (09022015). Collection method: clinical testing. Allele origin: germline.
Comment: This sequence change creates a premature translational stop signal (Splice site) in the GUCY2C gene. It is expected to result in an absent or disrupted protein product. However, the current clinical and genetic evidence is not sufficient to establish whether loss-of-function variants in GUCY2C cause disease. This variant is not present in population databases (gnomAD no frequency). This variant has not been reported in the literature in individuals affected with GUCY2C-related conditions. This variant is also known as c.1930+1del. Algorithms developed to predict the effect of sequence changes on RNA splicing suggest that this variant may disrupt the consensus splice site. In summary, the available evidence is currently insufficient to determine the role of this variant in disease. Therefore, it has been classified as a Variant of Uncertain Significance.